The following is an entry in ClinVar:

NM_001004726.1(OR4X1):c.681C>T (p.Asn227=)

Gene: OR4X1 (olfactory receptor family 4 subfamily X member 1; plus strand). Cytogenetic location: 11p11.2.
Variant type: single nucleotide variant.
Coding change: c.681C>T on transcript NM_001004726.1 (MANE Select); coding-DNA position 681, C replaced by T.
Protein change: p.Asn227=; no amino-acid change (asparagine 227 retained).
Molecular consequence: synonymous variant.
Genome position (GRCh38, 1-based): chr11:48,264,541, C>T. VCF-style: chr11-48264541-C-T. GRCh37 (hg19) VCF-style: chr11-48286093-C-T.
Identifiers: ClinVar variation 2641774 (VCV002641774.24), dbSNP rs1175883835, ClinGen allele CA474436949.

ClinVar aggregate classification (germline): Likely benign (1 of 4 stars; one submission).

Allele frequency attached by ClinVar (database versions not stated): gnomAD exomes below 0.00001; TOPMed below 0.00001.

Submission:

CeGaT Center for Human Genetics Tuebingen
Classification: Likely benign. Last evaluated: 2023-01-01. Review status: criteria provided, single submitter. Criteria: CeGaT Center For Human Genetics Tuebingen Variant Classification Criteria Version 2. Collection method: clinical testing. Allele origin: germline. Affected: yes. Observed: 1 variant allele.
Comment: OR4X1: PM2:Supporting, BP4, BP7